The following is an entry in ClinVar:

NM_013432.5(TONSL):c.3245T>G (p.Leu1082Arg)

Gene: TONSL (tonsoku like, DNA repair protein; minus strand). Cytogenetic location: 8q24.3.
Variant type: single nucleotide variant.
Coding change: c.3245T>G on transcript NM_013432.5 (MANE Select); coding-DNA position 3245, T replaced by G.
Protein change: p.Leu1082Arg; replaces leucine 1082 with arginine.
Molecular consequence: missense variant.
Genome position (GRCh38, 1-based): chr8:144,434,120, A>C on the plus strand (T>G on the coding strand, the complement: TONSL is on the minus strand). VCF-style: chr8-144434120-A-C. GRCh37 (hg19) VCF-style: chr8-145659503-A-C.
Other names: short protein forms L1082R.
Identifiers: ClinVar variation 1435822 (VCV001435822.8), dbSNP rs2130844235, ClinGen allele CA372646234.

ClinVar aggregate classification (germline): Uncertain significance (1 of 4 stars; one submission).

Submission:

Labcorp Genetics (formerly Invitae), Labcorp
Classification: Uncertain significance. Last evaluated: 2021-07-05. Review status: criteria provided, single submitter. Criteria: Invitae Variant Classification Sherloc (09022015). Collection method: clinical testing. Allele origin: germline.
Comment: In summary, the available evidence is currently insufficient to determine the role of this variant in disease. Therefore, it has been classified as a Variant of Uncertain Significance. This sequence change replaces leucine with arginine at codon 1082 of the TONSL protein (p.Leu1082Arg). The leucine residue is highly conserved and there is a moderate physicochemical difference between leucine and arginine. This variant is not present in population databases (ExAC no frequency). This variant has not been reported in the literature in individuals affected with TONSL-related conditions. Algorithms developed to predict the effect of missense changes on protein structure and function are either unavailable or do not agree on the potential impact of this missense change (SIFT: "Deleterious"; PolyPhen-2: "Probably Damaging"; Align-GVGD: "Class C0").